The following is an entry in ClinVar:

ClinVar aggregate classification (germline): Benign. Review status: criteria provided, multiple submitters, no conflicts (2 of 4 stars). 4 submissions from 4 submitters: Benign (4). Last evaluated 2026-01-27.

Allele frequency attached by ClinVar (database versions not stated): gnomAD exomes 0.00935 and 0.01392; gnomAD 0.01576 and 0.01618; ESP Exome Variant Server 0.01582; TOPMed 0.01595; 1000 Genomes Project 30x 0.01905; 1000 Genomes Project 0.01917; ExAC 0.03339.
gnomAD v4.1: 15,527 of 1,549,388 alleles (1%); highest among the groups gnomAD compares: South Asian, 4.2%; 213 homozygotes.

Submissions (4):

Labcorp Genetics (formerly Invitae), Labcorp
Classification: Benign. Last evaluated: 2026-01-27. Review status: criteria provided, single submitter. Criteria: Invitae Variant Classification Sherloc (09022015). Collection method: clinical testing. Allele origin: germline.

Blueprint Genetics
Classification: Benign. Last evaluated: 2024-11-27. Review status: criteria provided, single submitter. Criteria: ACMG Guidelines, 2015. Collection method: clinical testing. Allele origin: germline.

Mayo Clinic Laboratories, Mayo Clinic
Classification: Benign. Last evaluated: 2024-04-30. Review status: criteria provided, single submitter. Criteria: ACMG Guidelines, 2015. Collection method: clinical testing. Allele origin: germline. Observed: 4 variant alleles.
Comment: BS1, BS2, BP4, BP7

Breakthrough Genomics
Classification: Benign. Review status: criteria provided, single submitter. Criteria: ACMG Guidelines, 2015. Collection method: not provided. Allele origin: germline. Inheritance: Autosomal recessive inheritance. Affected: yes.

NM_001013838.3(CARMIL2):c.3138G>A (p.Pro1046=)

Gene: CARMIL2 (capping protein regulator and myosin 1 linker 2; plus strand). Cytogenetic location: 16q22.1.
Variant type: single nucleotide variant.
Coding change: c.3138G>A on transcript NM_001013838.3 (MANE Select); coding-DNA position 3138, G replaced by A.
Protein change: p.Pro1046=; no amino-acid change (proline 1046 retained).
Molecular consequence: synonymous variant.
Genome position (GRCh38, 1-based): chr16:67,654,166, G>A. VCF-style: chr16-67654166-G-A. GRCh37 (hg19) VCF-style: chr16-67688069-G-A.
Other names: p.Pro1046=; c.3030G>A, p.Pro1010= (NM_001317026.3).
Identifiers: ClinVar variation 1166460 (VCV001166460.12), dbSNP rs114594028, ClinGen allele CA8113953.